The following is an entry in ClinVar:

ClinVar aggregate classification (germline): Uncertain significance. Review status: criteria provided, multiple submitters, no conflicts (2 of 4 stars). 2 submissions from 2 submitters: Uncertain significance (2). Last evaluated 2026-03-01.

Conditions:
Episodic ataxia type 2 (EA2). Also called: CEREBELLAR ATAXIA, PAROXYSMAL, ACETAZOLAMIDE-RESPONSIVE; CEREBELLOPATHY, HEREDITARY PAROXYSMAL; EPISODIC ATAXIA, NYSTAGMUS-ASSOCIATED; ACETAZOLAMIDE-RESPONSIVE HEREDITARY PAROXYSMAL CEREBELLAR ATAXIA; ATAXIA, EPISODIC, WITH NYSTAGMUS; ATAXIA, FAMILIAL PAROXYSMAL. Identifiers: Orphanet 97, MedGen C1720416, MONDO:0007163, OMIM 108500.
Developmental and epileptic encephalopathy, 42 (DEE42A). Also called: Epileptic encephalopathy, early infantile, 42; DEVELOPMENTAL AND EPILEPTIC ENCEPHALOPATHY 42A; EPILEPTIC ENCEPHALOPATHY, EARLY INFANTILE, 42A. Identifiers: MedGen C4310716, MONDO:0014917, OMIM 617106.

Allele frequency attached by ClinVar (database versions not stated): gnomAD exomes below 0.00001.
gnomAD v4.1: 2 of 1,262,620 alleles (0.00016%); highest among the groups gnomAD compares: Non-Finnish European, 0.00022%; no homozygotes.

Submissions (2):

CeGaT Center for Human Genetics Tuebingen
Classification: Uncertain significance. Last evaluated: 2026-03-01. Review status: criteria provided, single submitter. Criteria: CeGaT Center For Human Genetics Tuebingen Variant Classification Criteria Version 2. Collection method: clinical testing. Allele origin: germline. Affected: yes. Observed: 1 variant allele.
Comment: CACNA1A: PM2, PP3, BP5

Labcorp Genetics (formerly Invitae), Labcorp
Classification: Uncertain significance for Developmental and epileptic encephalopathy, 42; Episodic ataxia type 2. Last evaluated: 2024-05-23. Review status: criteria provided, single submitter. Criteria: Invitae Variant Classification Sherloc (09022015). Collection method: clinical testing. Allele origin: germline.
Comment: This sequence change replaces histidine, which is basic and polar, with asparagine, which is neutral and polar, at codon 2220 of the CACNA1A protein (p.His2220Asn). This variant is not present in population databases (gnomAD no frequency). This variant has not been reported in the literature in individuals affected with CACNA1A-related conditions. ClinVar contains an entry for this variant (Variation ID: 1042750). Advanced modeling of protein sequence and biophysical properties (such as structural, functional, and spatial information, amino acid conservation, physicochemical variation, residue mobility, and thermodynamic stability) performed at Invitae indicates that this missense variant is not expected to disrupt CACNA1A protein function with a negative predictive value of 95%. In summary, the available evidence is currently insufficient to determine the role of this variant in disease. Therefore, it has been classified as a Variant of Uncertain Significance.

NM_001127222.2(CACNA1A):c.6655C>A (p.His2219Asn)

Gene: CACNA1A (calcium voltage-gated channel subunit alpha1 A; minus strand). Cytogenetic location: 19p13.13.
Variant type: single nucleotide variant.
Coding change: c.6655C>A on transcript NM_001127222.2 (MANE Select); coding-DNA position 6655, C replaced by A.
Protein change: p.His2219Asn; replaces histidine 2219 with asparagine.
Molecular consequence: missense variant.
Genome position (GRCh38, 1-based): chr19:13,208,881, G>T on the plus strand (C>A on the coding strand, the complement: CACNA1A is on the minus strand). VCF-style: chr19-13208881-G-T. GRCh37 (hg19) VCF-style: chr19-13319695-G-T.
Other names: c.6673C>A, p.His2225Asn (NM_000068.4, NM_023035.3); c.6658C>A, p.His2220Asn (NM_001127221.2); c.6664C>A, p.His2222Asn (NM_001174080.2); short protein forms H2225N, H2219N, H2220N, H2222N.
Identifiers: ClinVar variation 1042750 (VCV001042750.15), dbSNP rs1307304917, ClinGen allele CA404330432.